The following is an entry in ClinVar:

ClinVar aggregate classification (germline): Uncertain significance (1 of 4 stars; one submission).

Submission:

Dasa
Classification: Uncertain significance. Last evaluated: 2026-02-20. Review status: criteria provided, single submitter. Criteria: DASA Assertion Criteria. Collection method: clinical testing. Allele origin: germline.
Comment: NM_006245.4(PPP2R5D):c.288G>T (p.Lys96Asn) is a missense variant that results in the substitution of lysine with asparagine. This variant is rare in population databases. Computational prediction algorithms are consistent with a benign effect. The currently available literature and clinical evidence are not sufficient to establish a definitive association between this variant and the reported condition. Therefore, this variant is classified as a variant of uncertain significance.

NM_006245.4(PPP2R5D):c.288G>T (p.Lys96Asn)

Gene: PPP2R5D (protein phosphatase 2 regulatory subunit B'delta; plus strand). Cytogenetic location: 6p21.1.
Variant type: single nucleotide variant.
Coding change: c.288G>T on transcript NM_006245.4 (MANE Select); coding-DNA position 288, G replaced by T.
Protein change: p.Lys96Asn; replaces lysine 96 with asparagine.
Molecular consequence: missense variant. On other transcripts: 5 prime UTR variant (1), intron variant (2).
Genome position (GRCh38, 1-based): chr6:43,006,645, G>T. VCF-style: chr6-43006645-G-T. GRCh37 (hg19) VCF-style: chr6-42974383-G-T.
Other names: c.-166G>T (NM_001270476.2); c.249+39G>T (NM_180976.3); c.28-289G>T (NM_180977.3); short protein forms K96N.
Identifiers: ClinVar variation 5020703 (VCV005020703.1).